The following is an entry in ClinVar:

NM_001242957.3(MAK):c.70A>G (p.Asn24Asp)

Gene: MAK (male germ cell associated kinase; minus strand). Cytogenetic location: 6p24.2.
Variant type: single nucleotide variant.
Coding change: c.70A>G on transcript NM_001242957.3 (MANE Select); coding-DNA position 70, A replaced by G.
Protein change: p.Asn24Asp; replaces asparagine 24 with aspartic acid.
Molecular consequence: missense variant. On other transcripts: non-coding transcript variant (2), intron variant (1).
Genome position (GRCh38, 1-based): chr6:10,830,579, T>C on the plus strand (A>G on the coding strand, the complement: MAK is on the minus strand). VCF-style: chr6-10830579-T-C. GRCh37 (hg19) VCF-style: chr6-10830812-T-C.
Other names: c.70A>G, p.Asn24Asp (NM_001242385.2, NM_005906.6); c.-2+7924A>G (NM_001377262.1); short protein forms N24D.
Identifiers: ClinVar variation 2114294 (VCV002114294.4), dbSNP rs2532653780, ClinGen allele CA362721754.

ClinVar aggregate classification (germline): Uncertain significance (1 of 4 stars; one submission).

Submission:

Labcorp Genetics (formerly Invitae), Labcorp
Classification: Uncertain significance. Last evaluated: 2022-03-26. Review status: criteria provided, single submitter. Criteria: Invitae Variant Classification Sherloc (09022015). Collection method: clinical testing. Allele origin: germline.
Comment: This sequence change replaces asparagine, which is neutral and polar, with aspartic acid, which is acidic and polar, at codon 24 of the MAK protein (p.Asn24Asp). In summary, the available evidence is currently insufficient to determine the role of this variant in disease. Therefore, it has been classified as a Variant of Uncertain Significance. Advanced modeling of protein sequence and biophysical properties (such as structural, functional, and spatial information, amino acid conservation, physicochemical variation, residue mobility, and thermodynamic stability) performed at Invitae indicates that this missense variant is not expected to disrupt MAK protein function. This variant has not been reported in the literature in individuals affected with MAK-related conditions. This variant is not present in population databases (gnomAD no frequency).